The following is an entry in ClinVar:

NM_002528.7(NTHL1):c.240_248del (p.Glu80_Gln82del)

Gene: NTHL1 (nth like DNA glycosylase 1; minus strand). Cytogenetic location: 16p13.3.
Variant type: Deletion.
Coding change: c.240_248del on transcript NM_002528.7 (MANE Select); coding-DNA positions 240 to 248, 9 bases deleted (GCCCCAGGA; older notation c.240_248delGCCCCAGGA).
Protein change: p.Glu80_Gln82del.
Molecular consequence: inframe deletion. On other transcripts: intron variant (1).
Genome position (GRCh38, 1-based): chr16:2,046,234-2,046,242, TCCTGGGGC deleted on the plus strand (GCCCCAGGA on the coding strand, the reverse complement: NTHL1 is on the minus strand); deleting any 9 consecutive bases within chr16:2,046,234-2,046,245 gives the same sequence; the c. name uses the placement nearest the transcript's 3' end. VCF-style (leftmost placement, unchanged base first): chr16-2046233-GTCCTGGGGC-G. GRCh37 (hg19) VCF-style: chr16-2096234-GTCCTGGGGC-G.
Other names: c.240_248del, p.Glu80_Gln82del (NM_001318193.2); c.24+38_24+46del (NM_001318194.2).
Identifiers: ClinVar variation 1401932 (VCV001401932.6), dbSNP rs1462985500, ClinGen allele CA620704675.
Genomic context (GRCh38, chr16:2,046,233, plus strand): 5'-GTCCACAGGTGCATCCTTTTTGTTCCTCATGGCACGGATGTTGACCAGCTGTTGCTGCCA[GTCCTGGGGC>G]TCCCAGACTGGCACCTTGAGGGGCTCAGCCCCCTCACCTTTCTCACTGTCCGAGCCCTCA-3'

ClinVar aggregate classification (germline): Uncertain significance (1 of 4 stars; one submission).

Submission:

Labcorp Genetics (formerly Invitae), Labcorp
Classification: Uncertain significance. Last evaluated: 2025-12-02. Review status: criteria provided, single submitter. Criteria: Invitae Variant Classification Sherloc (09022015). Collection method: clinical testing. Allele origin: germline.
Comment: This variant, c.264_272del, results in the deletion of 3 amino acid(s) of the NTHL1 protein (p.Glu88_Gln90del), but otherwise preserves the integrity of the reading frame. This variant is present in population databases (no rsID available, gnomAD 0.003%). This variant has not been reported in the literature in individuals affected with NTHL1-related conditions. ClinVar contains an entry for this variant (Variation ID: 1401932). Experimental studies and prediction algorithms are not available or were not evaluated, and the functional significance of this variant is currently unknown. In summary, the available evidence is currently insufficient to determine the role of this variant in disease. Therefore, it has been classified as a Variant of Uncertain Significance.